The following is an entry in ClinVar:

NM_000123.4(ERCC5):c.6G>A (p.Gly2=)

Genes: BIVM-ERCC5 (BIVM-ERCC5 readthrough; plus strand), ERCC5 (ERCC excision repair 5, endonuclease; plus strand). Cytogenetic location: 13q33.1.
Variant type: single nucleotide variant.
Coding change: c.6G>A on transcript NM_000123.4 (MANE Select); coding-DNA position 6, G replaced by A.
Protein change: p.Gly2=; no amino-acid change (glycine 2 retained).
Molecular consequence: synonymous variant. On other transcripts: intron variant (1).
Genome position (GRCh38, 1-based): chr13:102,846,272, G>A. VCF-style: chr13-102846272-G-A. GRCh37 (hg19) VCF-style: chr13-103498622-G-A.
Other names: c.1451-5846G>A (NM_001204425.2).
Identifiers: ClinVar variation 2643917 (VCV002643917.24), dbSNP rs755260246, ClinGen allele CA7040946.

ClinVar aggregate classification (germline): Likely benign (1 of 4 stars; one submission).

Allele frequency attached by ClinVar (database versions not stated): gnomAD exomes below 0.00001; ExAC 0.00001.
gnomAD v4.1: 2 of 1,613,322 alleles (0.00012%); highest among the groups gnomAD compares: Non-Finnish European, 0.00017%; no homozygotes.

Submission:

CeGaT Center for Human Genetics Tuebingen
Classification: Likely benign. Last evaluated: 2023-09-01. Review status: criteria provided, single submitter. Criteria: CeGaT Center For Human Genetics Tuebingen Variant Classification Criteria Version 2. Collection method: clinical testing. Allele origin: germline. Affected: yes. Observed: 1 variant allele.
Comment: ERCC5: BP4, BP7